The following is an entry in ClinVar:

NM_001166108.2(PALLD):c.2495A>G (p.Lys832Arg)

Genes: CBR4 (carbonyl reductase 4; minus strand), PALLD (palladin, cytoskeletal associated protein; plus strand). Cytogenetic location: 4q32.3.
Variant type: single nucleotide variant.
Coding change: c.2495A>G on transcript NM_001166108.2 (MANE Select); coding-DNA position 2495, A replaced by G.
Protein change: p.Lys832Arg; replaces lysine 832 with arginine.
Molecular consequence: missense variant.
Genome position (GRCh38, 1-based): chr4:168,903,779, A>G. VCF-style: chr4-168903779-A-G. GRCh37 (hg19) VCF-style: chr4-169824930-A-G.
Other names: c.1298A>G, p.Lys433Arg (NM_001166109.2); c.983A>G, p.Lys328Arg (NM_001166110.2); c.323A>G, p.Lys108Arg (NM_001367567.1, NM_001367569.1); c.374A>G, p.Lys125Arg (NM_001367568.1, NM_001367570.1); c.2444A>G, p.Lys815Arg (NM_016081.4); short protein forms K125R, K815R, K108R, K433R, K832R, K328R.
Identifiers: ClinVar variation 2561627 (VCV002561627.2), dbSNP rs767531455, ClinGen allele CA358799281.

ClinVar aggregate classification (germline): Uncertain significance (1 of 4 stars; one submission).

Submission:

Ambry Genetics
Classification: Uncertain significance. Last evaluated: 2023-05-15. Review status: criteria provided, single submitter. Criteria: Ambry Variant Classification Scheme 2023. Collection method: clinical testing. Allele origin: germline.
Comment: The p.K815R variant (also known as c.2444A>G), located in coding exon 13 of the PALLD gene, results from an A to G substitution at nucleotide position 2444. The lysine at codon 815 is replaced by arginine, an amino acid with highly similar properties. This amino acid position is conserved. In addition, this alteration is predicted to be tolerated by in silico analysis. Since supporting evidence is limited at this time, the clinical significance of this alteration remains unclear.